The following is an entry in ClinVar:

NM_001370259.2(MEN1):c.1735C>T (p.Leu579Phe)

Gene: MEN1 (menin 1; minus strand). Cytogenetic location: 11q13.1.
Variant type: single nucleotide variant.
Coding change: c.1735C>T on transcript NM_001370259.2 (MANE Select); coding-DNA position 1735, C replaced by T.
Protein change: p.Leu579Phe; replaces leucine 579 with phenylalanine.
Molecular consequence: missense variant.
Genome position (GRCh38, 1-based): chr11:64,804,432, G>A on the plus strand (C>T on the coding strand, the complement: MEN1 is on the minus strand). VCF-style: chr11-64804432-G-A. GRCh37 (hg19) VCF-style: chr11-64571904-G-A.
Other names: c.1750C>T, p.Leu584Phe (NM_000244.4, NM_130800.3, NM_130801.3 and 3 more transcripts); c.1861C>T, p.Leu621Phe (NM_001370251.2); c.1735C>T, p.Leu579Phe (NM_001370260.2, NM_001370261.2, NM_130799.3); c.1630C>T, p.Leu544Phe (NM_001370262.2, NM_001370263.2); short protein forms L544F, L579F, L584F, L621F.
Identifiers: ClinVar variation 853356 (VCV000853356.15), dbSNP rs1328296968, ClinGen allele CA381177519.

ClinVar aggregate classification (germline): Conflicting classifications of pathogenicity. Review status: criteria provided, conflicting classifications (1 of 4 stars). 4 submissions from 4 submitters: Uncertain significance (3); Likely benign (1). Last evaluated 2025-08-11.

Conditions:
Hereditary cancer-predisposing syndrome. Also called: Neoplastic Syndromes, Hereditary; Hereditary Cancer Syndrome; Hereditary neoplastic syndrome; Tumor predisposition. Identifiers: Orphanet 140162, MedGen C0027672, MeSH D009386, MONDO:0015356.
Multiple endocrine neoplasia, type 1 (MEN1). Also called: MEN I; WERMER SYNDROME; Endocrine adenomatosis multiple; MEN 1; MEA I. Identifiers: Orphanet 652, MedGen C0025267, MeSH D018761, MONDO:0007540, OMIM 131100.

Allele frequency attached by ClinVar (database versions not stated): gnomAD exomes below 0.00001.
gnomAD v4.1: 2 of 1,614,210 alleles (0.00012%); highest among the groups gnomAD compares: Non-Finnish European, 0.00017%; no homozygotes.

Submissions (4):

Labcorp Genetics (formerly Invitae), Labcorp
Classification: Likely benign for Multiple endocrine neoplasia, type 1. Last evaluated: 2025-08-11. Review status: criteria provided, single submitter. Criteria: Invitae Variant Classification Sherloc (09022015). Collection method: clinical testing. Allele origin: germline.

Ambry Genetics
Classification: Uncertain significance for Hereditary cancer-predisposing syndrome. Last evaluated: 2025-07-25. Review status: criteria provided, single submitter. Criteria: Ambry Variant Classification Scheme 2023. Collection method: clinical testing. Allele origin: germline.
Comment: The p.L579F variant (also known as c.1735C>T), located in coding exon 9 of the MEN1 gene, results from a C to T substitution at nucleotide position 1735. The leucine at codon 579 is replaced by phenylalanine, an amino acid with highly similar properties. This amino acid position is highly conserved in available vertebrate species. In addition, this alteration is predicted to be deleterious by in silico analysis. Since supporting evidence is limited at this time, the clinical significance of this alteration remains unclear.

GeneDx
Classification: Uncertain significance. Last evaluated: 2025-05-04. Review status: criteria provided, single submitter. Criteria: GeneDx Variant Classification Process June 2021. Collection method: clinical testing. Allele origin: germline. Affected: yes.
Comment: Not observed at significant frequency in large population cohorts (gnomAD); In silico analysis supports that this missense variant has a deleterious effect on protein structure/function; Has not been previously published as pathogenic or benign to our knowledge

Baylor Genetics
Classification: Uncertain significance for Multiple Endocrine Neoplasia Type 1. Last evaluated: 2023-08-08. Review status: criteria provided, single submitter. Criteria: ACMG Guidelines, 2015. Collection method: clinical testing. Allele origin: unknown.